The following is an entry in ClinVar:

ClinVar aggregate classification (germline): Uncertain significance. Review status: criteria provided, multiple submitters, no conflicts (2 of 4 stars). 4 submissions from 4 submitters: Uncertain significance (3). 1 of the submissions does not count toward it. Last evaluated 2023-08-16.

Conditions:
CFAP418-related disorder. Also called: CFAP418-related condition.
Bardet-biedl syndrome 21. Identifiers: MedGen C4319932, MONDO:0044308, OMIM 617406.

Allele frequency attached by ClinVar (database versions not stated): gnomAD 0.00001 and 0.00004; ESP Exome Variant Server 0.00008; gnomAD exomes 0.00009 and 0.00013; ExAC 0.00012.
gnomAD v4.1: 136 of 1,613,680 alleles (0.0084%); highest among the groups gnomAD compares: South Asian, 0.088%; no homozygotes.

Submissions (4):

PreventionGenetics, part of Exact Sciences
Classification: Uncertain significance for CFAP418-related condition. Last evaluated: 2023-08-16. Review status: criteria provided, single submitter. Criteria: ACMG Guidelines, 2015. Collection method: clinical testing. Allele origin: germline.
Comment: The CFAP418 c.533C>T variant is predicted to result in the amino acid substitution p.Ala178Val. This variant has been reported as a possible modifier allele for Bardet-Biedl syndrome (reported as C8ORF37, Yıldız Bölükbaşı et al. 2018. PubMed ID: 29127258). This variant is reported in 0.082% of alleles in individuals of South Asian descent in gnomAD. At this time, the clinical significance of this variant is uncertain due to the absence of conclusive functional and genetic evidence.

Labcorp Genetics (formerly Invitae), Labcorp
Classification: Uncertain significance. Last evaluated: 2022-07-06. Review status: criteria provided, single submitter. Criteria: Invitae Variant Classification Sherloc (09022015). Collection method: clinical testing. Allele origin: germline.
Comment: In summary, the available evidence is currently insufficient to determine the role of this variant in disease. Therefore, it has been classified as a Variant of Uncertain Significance. Algorithms developed to predict the effect of sequence changes on RNA splicing suggest that this variant may create or strengthen a splice site. Algorithms developed to predict the effect of missense changes on protein structure and function are either unavailable or do not agree on the potential impact of this missense change (SIFT: "Tolerated"; PolyPhen-2: "Probably Damaging"; Align-GVGD: "Class C0"). ClinVar contains an entry for this variant (Variation ID: 430653). This variant has not been reported in the literature in individuals affected with C8orf37-related conditions. This variant is present in population databases (rs375314973, gnomAD 0.08%). This sequence change replaces alanine, which is neutral and non-polar, with valine, which is neutral and non-polar, at codon 178 of the C8orf37 protein (p.Ala178Val).

Blueprint Genetics
Classification: Uncertain significance. Last evaluated: 2021-11-11. Review status: criteria provided, single submitter. Criteria: ACMG Guidelines, 2015. Collection method: clinical testing. Allele origin: germline.

Tolun Lab, Human Genetics Laboratory, Bogazici University
Classification: Uncertain significance for Bardet-biedl syndrome 21. Review status: no assertion criteria provided. Collection method: research. Allele origin: inherited. Inheritance: Autosomal recessive inheritance. Affected: yes. Observed: 4 variant alleles, 4 heterozygotes. Clinical features observed: Polydactyly, Intellectual disability, Obesity, Rod-cone dystrophy. Not counted in ClinVar's aggregate classification.
Comment: It is a missense variant.

Literature cited by the submitters: PubMed 29127258 (cited by Tolun Lab, Human Genetics Laboratory, Bogazici University).

NM_177965.4(CFAP418):c.533C>T (p.Ala178Val)

Gene: CFAP418 (cilia and flagella associated protein 418; minus strand). Cytogenetic location: 8q22.1.
Variant type: single nucleotide variant.
Coding change: c.533C>T on transcript NM_177965.4 (MANE Select); coding-DNA position 533, C replaced by T.
Protein change: p.Ala178Val; replaces alanine 178 with valine.
Molecular consequence: missense variant.
Genome position (GRCh38, 1-based): chr8:95,247,708, G>A on the plus strand (C>T on the coding strand, the complement: CFAP418 is on the minus strand). VCF-style: chr8-95247708-G-A. GRCh37 (hg19) VCF-style: chr8-96259936-G-A.
Other names: c.437C>T, p.Ala146Val (NM_001363260.1); short protein forms A178V, A146V.
Identifiers: ClinVar variation 430653 (VCV000430653.8), dbSNP rs375314973, ClinGen allele CA4815116.